The following is an entry in ClinVar:

ClinVar aggregate classification (germline): Likely benign. Review status: no assertion criteria provided (0 of 4 stars). 2 submissions from 2 submitters: Likely benign (2). Last evaluated 2019-09-30.

Conditions:
HECW2-related disorder. Also called: HECW2-related condition.
Oromandibular-limb hypogenesis spectrum (MBS). Also called: MOEBIUS SEQUENCE; Absence or underdevelopment of the 6th and 7th cranial nerves; Congenital facial diplegia syndrome; Congenital oculofacial paralysis; Möbius Syndrome. Identifiers: Orphanet 570, MedGen C0221060, MONDO:0008006, OMIM 157900.

Allele frequency attached by ClinVar (database versions not stated): gnomAD 0.00001 and 0.00002; gnomAD exomes 0.00003 and 0.00014; TOPMed 0.00005; ExAC 0.00008; 1000 Genomes Project 30x 0.00031.

Submissions (2):

PreventionGenetics, part of Exact Sciences
Classification: Likely benign for HECW2-related condition. Last evaluated: 2019-09-30. Review status: no assertion criteria provided. Collection method: clinical testing. Allele origin: germline.
Comment: This variant is classified as likely benign based on ACMG/AMP sequence variant interpretation guidelines (Richards et al. 2015 PMID: 25741868, with internal and published modifications).

CHU Sainte-Justine Research Center, University of Montreal
Classification: Likely benign for Oromandibular-limb hypogenesis spectrum. Last evaluated: 2016-08-12. Review status: no assertion criteria provided. Collection method: research. Allele origin: inherited. Affected: yes.

NM_001348768.2(HECW2):c.1249_1251del (p.Asn417del)

Gene: HECW2 (HECT, C2 and WW domain containing E3 ubiquitin protein ligase 2; minus strand). Cytogenetic location: 2q32.3.
Variant type: Deletion.
Coding change: c.1249_1251del on transcript NM_001348768.2 (MANE Select); coding-DNA positions 1249 to 1251, 3 bases deleted (AAT; older notation c.1249_1251delAAT).
Protein change: p.Asn417del; deletes asparagine 417.
Molecular consequence: inframe deletion.
Genome position (GRCh38, 1-based): chr2:196,319,639-196,319,641, ATT deleted on the plus strand (AAT on the coding strand, the reverse complement: HECW2 is on the minus strand). VCF-style (leftmost placement, unchanged base first): chr2-196319638-CATT-C. GRCh37 (hg19) VCF-style: chr2-197184362-CATT-C.
Other names: c.181_183del, p.Asn61del (NM_001304840.3); c.1249_1251del, p.Asn417del (NM_020760.4); c.1249_1251delAAT (NM_020760.2); short protein forms N417del, N61del.
Identifiers: ClinVar variation 254100 (VCV000254100.3), dbSNP rs774571391, ClinGen allele CA2038359.